The following is an entry in ClinVar:

NM_001034853.2(RPGR):c.1120G>T (p.Glu374Ter)

Gene: RPGR (retinitis pigmentosa GTPase regulator; minus strand). Cytogenetic location: Xp11.4.
Variant type: single nucleotide variant.
Coding change: c.1120G>T on transcript NM_001034853.2 (MANE Select); coding-DNA position 1120, G replaced by T.
Protein change: p.Glu374Ter; replaces glutamic acid 374 with a stop codon.
Molecular consequence: nonsense. On other transcripts: non-coding transcript variant (6), intron variant (2).
Genome position (GRCh38, 1-based): chrX:38,299,081, C>A on the plus strand (G>T on the coding strand, the complement: RPGR is on the minus strand). VCF-style: chrX-38299081-C-A. GRCh37 (hg19) VCF-style: chrX-38158334-C-A.
Other names: NM_001034853.2(RPGR):c.1120G>T; p.Glu374Ter; c.1120G>T, p.Glu374Ter (NM_000328.3, NM_001367247.1); c.1117G>T, p.Glu373Ter (NM_001367245.1, NM_001367249.1, NM_001367250.1); c.1150G>T, p.Glu384Ter (NM_001367248.1); c.1060-1629G>T (NM_001367251.1, NM_001367246.1); short protein forms E374*, E373*, E384*.
Identifiers: ClinVar variation 98729 (VCV000098729.13), dbSNP rs62635001, ClinGen allele CA226344.

ClinVar aggregate classification (germline): Pathogenic. Review status: reviewed by expert panel (3 of 4 stars). 6 submissions from 6 submitters: Pathogenic (1). 5 of the submissions do not count toward it. Last evaluated 2025-08-01.

Conditions:
RPGR-related retinopathy. Also called: RPGR retinopathy. Identifiers: MedGen CN305589, MONDO:0100437.
RPGR-related disorder. Also called: RPGR-related condition.
Primary ciliary dyskinesia. Also called: Ciliary dyskinesia. Identifiers: Orphanet 244, MedGen C0008780, MONDO:0016575, HP:0012265.

Submissions (6):

ClinGen X-linked Inherited Retinal Disease Variant Curation Expert Panel, ClinGen
Classification: Pathogenic for RPGR-related retinopathy. Last evaluated: 2025-08-01. Review status: reviewed by expert panel. Criteria: ClinGen X LinkedIRD ACMG Specifications RPGR V1.0.0. Collection method: curation. Allele origin: germline. Inheritance: X-linked inheritance.
Comment: NM_001034853.2(RPGR):c.1120G>T (p.Glu374Ter) is a nonsense variant that substitutes a premature stop codon for amino acid 374 in exon 10 of 15 and is predicted to trigger nonsense-mediated decay (PVS1). This variant is absent from hemizygous individuals in gnomAD v4.1.0 (PM2_Supporting). At least one proband harboring this variant exhibits a phenotype including early onset (1 pt), electroretinogram responses consistent with retinitis pigmentosa (1 pt), night blindness (0.5 pts), visual field constriction (0.5 pts), and genotyping by next-generation sequencing panel that did not identify an alternative basis for retinal disease (2 pts), which together are specific for RPGR-related retinopathy (5 points, PMID: 32037395, PP4). In summary, this variant is classified as pathogenic for RPGR-related retinopathy based on the ClinGen X-linked Inherited Retinal Disease Expert Panel Specifications to the ACMG/AMP Variant Interpretation Guidelines for RPGR Version 1.0.0; PVS1, PM2_Supporting, and PP4. (date of approval 05/16/2025).

Labcorp Genetics (formerly Invitae), Labcorp
Classification: Pathogenic for Primary ciliary dyskinesia. Last evaluated: 2025-06-12. Review status: criteria provided, single submitter. Criteria: Invitae Variant Classification Sherloc (09022015). Collection method: clinical testing. Allele origin: germline. Not counted in ClinVar's aggregate classification.
Comment: This sequence change creates a premature translational stop signal (p.Glu374*) in the RPGR gene. It is expected to result in an absent or disrupted protein product. Loss-of-function variants in RPGR are known to be pathogenic (PMID: 16055928, 16969763). This variant is not present in population databases (gnomAD no frequency). This premature translational stop signal has been observed in individual(s) with RPGR-related conditions (PMID: 9399904, 32037395). This variant is also known as G>T at 1179. ClinVar contains an entry for this variant (Variation ID: 98729). Algorithms developed to predict the effect of sequence changes on RNA splicing suggest that this variant may disrupt the consensus splice site. For these reasons, this variant has been classified as Pathogenic.

GeneDx
Classification: Pathogenic. Last evaluated: 2021-10-18. Review status: criteria provided, single submitter. Criteria: GeneDx Variant Classification Process June 2021. Collection method: clinical testing. Allele origin: germline. Affected: yes. Not counted in ClinVar's aggregate classification.
Comment: Nonsense variant predicted to result in protein truncation or nonsense mediated decay in a gene for which loss-of-function is a known mechanism of disease; Not observed in large population cohorts (Lek et al., 2016); This variant is associated with the following publications: (PMID: 25525159, 9399904, 32037395)

Blueprint Genetics
Classification: Pathogenic for RPGR-related disorders. Last evaluated: 2021-05-07. Review status: criteria provided, single submitter. Criteria: ACMG Guidelines, 2015. Collection method: clinical testing. Allele origin: germline. Affected: yes. Observed: 5 variant alleles. Not counted in ClinVar's aggregate classification.

PreventionGenetics, part of Exact Sciences
Classification: Pathogenic. Last evaluated: 2017-06-11. Review status: criteria provided, single submitter. Criteria: ACMG Guidelines, 2015. Collection method: clinical testing. Allele origin: germline. Not counted in ClinVar's aggregate classification.

Retina International
No classification provided. Review status: no classification provided. Collection method: not provided. Allele origin: not provided. Not counted in ClinVar's aggregate classification.

Literature cited by the submitters: PubMed 16055928 (cited by Labcorp Genetics (formerly Invitae), Labcorp); PubMed 16969763 (cited by Labcorp Genetics (formerly Invitae), Labcorp); PubMed 9399904 (cited by Labcorp Genetics (formerly Invitae), Labcorp); PubMed 32037395 (cited by Labcorp Genetics (formerly Invitae), Labcorp).